The following is an entry in ClinVar:

ClinVar aggregate classification (germline): Uncertain significance (1 of 4 stars; one submission).

Conditions:
Hereditary breast ovarian cancer syndrome. Also called: Hereditary breast and ovarian cancer syndrome; Hereditary breast and ovarian cancer syndrome (HBOC); BRCA1- and BRCA2-Associated Hereditary Breast and Ovarian Cancer; Hereditary breast and ovarian cancer; Breast and ovarian cancer; Hereditary breast and/or ovarian cancer syndrome. Identifiers: Orphanet 145, MedGen C0677776, MeSH D061325, MONDO:0003582. Disease mechanism: loss of function.

Submission:

Labcorp Genetics (formerly Invitae), Labcorp
Classification: Uncertain significance for Hereditary breast ovarian cancer syndrome. Last evaluated: 2023-10-16. Review status: criteria provided, single submitter. Criteria: Invitae Variant Classification Sherloc (09022015). Collection method: clinical testing. Allele origin: germline.
Comment: This sequence change replaces isoleucine, which is neutral and non-polar, with valine, which is neutral and non-polar, at codon 482 of the BRCA1 protein (p.Ile482Val). This variant is not present in population databases (gnomAD no frequency). This variant has not been reported in the literature in individuals affected with BRCA1-related conditions. Advanced modeling of protein sequence and biophysical properties (such as structural, functional, and spatial information, amino acid conservation, physicochemical variation, residue mobility, and thermodynamic stability) performed at Invitae indicates that this missense variant is not expected to disrupt BRCA1 protein function. In summary, the available evidence is currently insufficient to determine the role of this variant in disease. Therefore, it has been classified as a Variant of Uncertain Significance.

NM_007294.4(BRCA1):c.1444A>G (p.Ile482Val)

Gene: BRCA1 (BRCA1 DNA repair associated; minus strand). Cytogenetic location: 17q21.31.
Variant type: single nucleotide variant.
Coding change: c.1444A>G on transcript NM_007294.4 (MANE Select); coding-DNA position 1444, A replaced by G.
Protein change: p.Ile482Val; replaces isoleucine 482 with valine.
Molecular consequence: missense variant. On other transcripts: intron variant (137).
Genome position (GRCh38, 1-based): chr17:43,094,087, T>C on the plus strand (A>G on the coding strand, the complement: BRCA1 is on the minus strand). VCF-style: chr17-43094087-T-C. GRCh37 (hg19) VCF-style: chr17-41246104-T-C.
Other names: c.1231A>G, p.Ile411Val (NM_001407571.1, NM_001407894.1, NM_001407895.1 and 9 more transcripts); c.1444A>G, p.Ile482Val (NM_001407581.1, NM_001407582.1, NM_001407583.1 and 30 more transcripts); c.1441A>G, p.Ile481Val (NM_001407587.1, NM_001407590.1, NM_001407591.1 and 22 more transcripts); c.1321A>G, p.Ile441Val (NM_001407863.1, NM_001407919.1, NM_001407937.1 and 19 more transcripts); c.1240A>G, p.Ile414Val (NM_001407874.1, NM_001407875.1); c.1234A>G, p.Ile412Val (NM_001407879.1, NM_001407881.1, NM_001407882.1 and 13 more transcripts); c.1180A>G, p.Ile394Val (NM_001407920.1, NM_001407921.1, NM_001407922.1 and 9 more transcripts); c.1177A>G, p.Ile393Val (NM_001407930.1, NM_001407931.1, NM_001407932.1 and 2 more transcripts); and 40 more; short protein forms I314V, I370V, I371V, I415V, I186V, I414V, I435V, I441V.
Identifiers: ClinVar variation 2768905 (VCV002768905.3), dbSNP rs2154445683, ClinGen allele CA10599153.